The following is an entry in ClinVar:

NM_022455.5(NSD1):c.6998C>T (p.Pro2333Leu)

Gene: NSD1 (nuclear receptor binding SET domain protein 1; plus strand). Cytogenetic location: 5q35.3.
Variant type: single nucleotide variant.
Coding change: c.6998C>T on transcript NM_022455.5 (MANE Select); coding-DNA position 6998, C replaced by T.
Protein change: p.Pro2333Leu; replaces proline 2333 with leucine.
Molecular consequence: missense variant.
Genome position (GRCh38, 1-based): chr5:177,294,366, C>T. VCF-style: chr5-177294366-C-T. GRCh37 (hg19) VCF-style: chr5-176721367-C-T.
Other names: c.6125C>T, p.Pro2042Leu (NM_001365684.2, NM_001409308.1, NM_172349.5); c.6998C>T, p.Pro2333Leu (NM_001409301.1, NM_001409302.1, NM_001409303.1); c.6578C>T, p.Pro2193Leu (NM_001409304.1); c.6245C>T, p.Pro2082Leu (NM_001409305.1); c.6236C>T, p.Pro2079Leu (NM_001409306.1, NM_001409307.1); c.5876C>T, p.Pro1959Leu (NM_001409309.1); short protein forms P1959L, P2042L, P2079L, P2082L, P2193L, P2333L.
Identifiers: ClinVar variation 4801582 (VCV004801582.1).

ClinVar aggregate classification (germline): Uncertain significance (1 of 4 stars; one submission).

Submission:

Labcorp Genetics (formerly Invitae), Labcorp
Classification: Uncertain significance. Last evaluated: 2025-09-13. Review status: criteria provided, single submitter. Criteria: Invitae Variant Classification Sherloc (09022015). Collection method: clinical testing. Allele origin: germline.
Comment: This sequence change replaces proline, which is neutral and non-polar, with leucine, which is neutral and non-polar, at codon 2333 of the NSD1 protein (p.Pro2333Leu). This variant is not present in population databases (gnomAD no frequency). This variant has not been reported in the literature in individuals affected with NSD1-related conditions. Invitae Evidence Modeling of protein sequence and biophysical properties (such as structural, functional, and spatial information, amino acid conservation, physicochemical variation, residue mobility, and thermodynamic stability) indicates that this missense variant is not expected to disrupt NSD1 protein function with a negative predictive value of 95%. In summary, the available evidence is currently insufficient to determine the role of this variant in disease. Therefore, it has been classified as a Variant of Uncertain Significance.